The following is an entry in ClinVar:

ClinVar aggregate classification (germline): Likely pathogenic (1 of 4 stars; one submission).

Submission:

CeGaT Center for Human Genetics Tuebingen
Classification: Likely pathogenic. Last evaluated: 2026-06-01. Review status: criteria provided, single submitter. Criteria: CeGaT Center For Human Genetics Tuebingen Variant Classification Criteria Version 2. Collection method: clinical testing. Allele origin: germline. Affected: yes. Observed: 3 variant alleles.
Comment: COL4A5: PP1:Strong, PM2

NM_033380.3(COL4A5):c.4706+5G>T

Gene: COL4A5 (collagen type IV alpha 5 chain; plus strand). Cytogenetic location: Xq22.3.
Variant type: single nucleotide variant.
Coding change: c.4706+5G>T on transcript NM_033380.3 (MANE Select); 5 bases into the intron after coding-DNA position 4706, G replaced by T.
Molecular consequence: intron variant.
Genome position (GRCh38, 1-based): chrX:108,692,930, G>T. VCF-style: chrX-108692930-G-T. GRCh37 (hg19) VCF-style: chrX-107936160-G-T.
Other names: c.4688+5G>T (NM_000495.5).
Identifiers: ClinVar variation 2661169 (VCV002661169.24), dbSNP rs2524646650, ClinGen allele CA2695197176.
Genomic context (GRCh38, chrX:108,692,930, plus strand): 5'-ATGCCAATGAGCATGCAACCCCTAAAGGGCCAGAGCATCCAGCCATTCATTAGTCGGTAA[G>T]GCATTGATTTAGCTGTGACTTTTACCAATCCCCAGTTAGTTAGCTAGTCAGATTTGAGTC-3'